The following is an entry in ClinVar:

NM_001190274.2(FBXO11):c.1026A>G (p.Gly342=)

Gene: FBXO11 (F-box protein 11; minus strand). Cytogenetic location: 2p16.3.
Variant type: single nucleotide variant.
Coding change: c.1026A>G on transcript NM_001190274.2 (MANE Select); coding-DNA position 1026, A replaced by G.
Protein change: p.Gly342=; no amino-acid change (glycine 342 retained).
Molecular consequence: synonymous variant.
Genome position (GRCh38, 1-based): chr2:47,832,979, T>C on the plus strand (A>G on the coding strand, the complement: FBXO11 is on the minus strand). VCF-style: chr2-47832979-T-C. GRCh37 (hg19) VCF-style: chr2-48060118-T-C.
Other names: c.774A>G, p.Gly258= (NM_001374325.1, NM_025133.4).
Identifiers: ClinVar variation 2808719 (VCV002808719.3), dbSNP rs1672299719, ClinGen allele CA426009631.

ClinVar aggregate classification (germline): Uncertain significance (1 of 4 stars; one submission).

Allele frequency attached by ClinVar (database versions not stated): TOPMed below 0.00001; gnomAD 0.00001.

Submission:

Labcorp Genetics (formerly Invitae), Labcorp
Classification: Uncertain significance. Last evaluated: 2023-03-04. Review status: criteria provided, single submitter. Criteria: Invitae Variant Classification Sherloc (09022015). Collection method: clinical testing. Allele origin: germline.
Comment: In summary, the available evidence is currently insufficient to determine the role of this variant in disease. Therefore, it has been classified as a Variant of Uncertain Significance. Algorithms developed to predict the effect of sequence changes on RNA splicing suggest that this variant may create or strengthen a splice site. This variant has not been reported in the literature in individuals affected with FBXO11-related conditions. This variant is not present in population databases (gnomAD no frequency). This sequence change affects codon 342 of the FBXO11 mRNA. It is a 'silent' change, meaning that it does not change the encoded amino acid sequence of the FBXO11 protein.